The following is an entry in ClinVar:

ClinVar aggregate classification (germline): Uncertain significance (1 of 4 stars; one submission).

Conditions:
Myopathy, proximal, and ophthalmoplegia (CMYO6). Also called: MYOPATHY WITH CONGENITAL JOINT CONTRACTURES, OPHTHALMOPLEGIA, AND RIMMED VACUOLES; CONGENITAL MYOPATHY 6 WITH OPHTHALMOPLEGIA; INCLUSION BODY MYOPATHY 3, AUTOSOMAL DOMINANT. Identifiers: Orphanet 363677, Orphanet 79091, MedGen C1854106, MONDO:0011577, OMIM 605637.

Allele frequency attached by ClinVar (database versions not stated): TOPMed below 0.00001.

Submission:

Labcorp Genetics (formerly Invitae), Labcorp
Classification: Uncertain significance for Myopathy, proximal, and ophthalmoplegia. Last evaluated: 2024-09-19. Review status: criteria provided, single submitter. Criteria: Invitae Variant Classification Sherloc (09022015). Collection method: clinical testing. Allele origin: germline.
Comment: This sequence change replaces threonine, which is neutral and polar, with asparagine, which is neutral and polar, at codon 1025 of the MYH2 protein (p.Thr1025Asn). This variant is not present in population databases (gnomAD no frequency). This variant has not been reported in the literature in individuals affected with MYH2-related conditions. Invitae Evidence Modeling of protein sequence and biophysical properties (such as structural, functional, and spatial information, amino acid conservation, physicochemical variation, residue mobility, and thermodynamic stability) indicates that this missense variant is not expected to disrupt MYH2 protein function with a negative predictive value of 80%. In summary, the available evidence is currently insufficient to determine the role of this variant in disease. Therefore, it has been classified as a Variant of Uncertain Significance.

NM_017534.6(MYH2):c.3074C>A (p.Thr1025Asn)

Genes: MYH2 (myosin heavy chain 2; minus strand), MYHAS (myosin heavy chain gene cluster antisense RNA; plus strand). Cytogenetic location: 17p13.1.
Variant type: single nucleotide variant.
Coding change: c.3074C>A on transcript NM_017534.6 (MANE Select); coding-DNA position 3074, C replaced by A.
Protein change: p.Thr1025Asn; replaces threonine 1025 with asparagine.
Molecular consequence: missense variant.
Genome position (GRCh38, 1-based): chr17:10,529,607, G>T on the plus strand (C>A on the coding strand, the complement: MYH2 is on the minus strand). VCF-style: chr17-10529607-G-T. GRCh37 (hg19) VCF-style: chr17-10432924-G-T.
Other names: c.3074C>A, p.Thr1025Asn (NM_001100112.2); short protein forms T1025N.
Identifiers: ClinVar variation 2883410 (VCV002883410.3), dbSNP rs1567730246, ClinGen allele CA398139893.
Genomic context (GRCh38, chr17:10,529,607, plus strand): 5'-GATGATACCAGACTTACATCATCCACTTGTTGTTCAAGTTTGATTTTAGCTTTGGTCAGG[G>T]TGTTGACTTTGTCCTCCTCTGCCTGCAGGTCATCCAGGGTCTGCTGGTGGGCCTCCTGGA-3'
Protein context (NP_060004.3, residues 1015-1035): DLQAEEDKVN[Thr1025Asn]LTKAKIKLEQ